The following is an entry in ClinVar:

ClinVar aggregate classification (germline): Uncertain significance (1 of 4 stars; one submission).

Conditions:
Developmental and epileptic encephalopathy, 50 (DEE50). Also called: Epileptic encephalopathy, early infantile, 50. Identifiers: Orphanet 448010, MedGen C4225320, MONDO:0014647, OMIM 616457.

Allele frequency attached by ClinVar (database versions not stated): gnomAD exomes below 0.00001.
gnomAD v4.1: 1 of 1,614,156 alleles (0.000062%); highest among the groups gnomAD compares: Non-Finnish European, 0.000085%; no homozygotes.

Submission:

Victorian Clinical Genetics Services, Murdoch Childrens Research Institute
Classification: Uncertain significance for Developmental and epileptic encephalopathy, 50. Last evaluated: 2020-05-25. Review status: criteria provided, single submitter. Criteria: ACMG Guidelines, 2015. Collection method: clinical testing. Allele origin: germline. Inheritance: Autosomal recessive inheritance. Affected: yes.
Comment: A heterozygous missense variant was identified, NM_004341.4(CAD):c.4231A>G in exon 26 of 44 of the CAD gene. This substitution is predicted to create a minor amino acid change from a lysine to a glutamic acid at position 1411 of the protein, NP_004332.2(CAD):p.(Lys1411Glu). The lysine at this position has very high conservation (100 vertebrates, UCSC). It is located within the carbamoyl-phosphate synthase domain, and is a predicted ubiquitination and acetylation site. In silico software predictions of the pathogenicity of this variant are conflicting (Polyphen, SIFT, CADD, Mutation Taster). The variant is not present in the gnomAD population database and has not been previously reported in clinical cases. Based on information available at the time of curation, this variant has been classified as a VARIANT of UNCERTAIN SIGNIFICANCE (VUS). Legend: (P) - Pathogenic, (N) - Neutral, (B) - Benign

NM_004341.5(CAD):c.4231A>G (p.Lys1411Glu)

Gene: CAD (carbamoyl-phosphate synthetase 2, aspartate transcarbamylase, and dihydroorotase; plus strand). Cytogenetic location: 2p23.3.
Variant type: single nucleotide variant.
Coding change: c.4231A>G on transcript NM_004341.5 (MANE Select); coding-DNA position 4231, A replaced by G.
Protein change: p.Lys1411Glu; replaces lysine 1411 with glutamic acid.
Molecular consequence: missense variant.
Genome position (GRCh38, 1-based): chr2:27,236,440, A>G. VCF-style: chr2-27236440-A-G. GRCh37 (hg19) VCF-style: chr2-27459308-A-G.
Other names: c.4042A>G, p.Lys1348Glu (NM_001306079.2); short protein forms K1348E, K1411E.
Identifiers: ClinVar variation 1805280 (VCV001805280.1), dbSNP rs2465341703, ClinGen allele CA346219179.